The following is an entry in ClinVar:

NM_000051.4(ATM):c.2377-19T>G

Gene: ATM (ATM serine/threonine kinase; plus strand). Cytogenetic location: 11q22.3.
Variant type: single nucleotide variant.
Coding change: c.2377-19T>G on transcript NM_000051.4 (MANE Select); 19 bases into the intron before coding-DNA position 2377, T replaced by G.
Molecular consequence: intron variant.
Genome position (GRCh38, 1-based): chr11:108,258,967, T>G. VCF-style: chr11-108258967-T-G. GRCh37 (hg19) VCF-style: chr11-108129694-T-G.
Other names: c.2377-19T>G (NM_001351834.2).
Identifiers: ClinVar variation 382449 (VCV000382449.11), dbSNP rs775771700, ClinGen allele CA6265015.

ClinVar aggregate classification (germline): Conflicting classifications of pathogenicity. Review status: criteria provided, conflicting classifications (1 of 4 stars). 4 submissions from 4 submitters: Uncertain significance (1); Likely benign (3). Last evaluated 2025-11-04.

Conditions:
Hereditary cancer-predisposing syndrome. Also called: Hereditary neoplastic syndrome; Tumor predisposition; Neoplastic Syndromes, Hereditary; Hereditary Cancer Syndrome. Identifiers: Orphanet 140162, MedGen C0027672, MeSH D009386, MONDO:0015356.
Ataxia-telangiectasia syndrome (AT). Also called: LOUIS-BAR SYNDROME; ATAXIA-TELANGIECTASIA, COMPLEMENTATION GROUP A; ATAXIA-TELANGIECTASIA, FRESNO VARIANT; Ataxia-telangiectasia; Ataxia telangiectasia (A-T); Cerebello-oculocutaneous telangiectasia. Identifiers: Orphanet 100, MedGen C0004135, MONDO:0008840, OMIM 208900.

Allele frequency attached by ClinVar (database versions not stated): gnomAD exomes below 0.00001 and 0.00001; TOPMed below 0.00001; ExAC 0.00001; gnomAD 0.00001.
gnomAD v4.1: 4 of 1,595,110 alleles (0.00025%); highest among the groups gnomAD compares: Non-Finnish European, 0.00034%; no homozygotes.

Submissions (4):

Labcorp Genetics (formerly Invitae), Labcorp
Classification: Likely benign for Ataxia-telangiectasia syndrome. Last evaluated: 2025-11-04. Review status: criteria provided, single submitter. Criteria: Invitae Variant Classification Sherloc (09022015). Collection method: clinical testing. Allele origin: germline.

Color Diagnostics, LLC DBA Color Health
Classification: Likely benign for Hereditary cancer-predisposing syndrome. Last evaluated: 2017-11-15. Review status: criteria provided, single submitter. Criteria: ACMG Guidelines, 2015. Collection method: clinical testing. Allele origin: germline.

GeneDx
Classification: Likely benign. Last evaluated: 2016-08-22. Review status: criteria provided, single submitter. Criteria: GeneDx Variant Classification (06012015). Collection method: clinical testing. Allele origin: germline. Affected: yes.
Comment: This variant is considered likely benign or benign based on one or more of the following criteria: it is a conservative change, it occurs at a poorly conserved position in the protein, it is predicted to be benign by multiple in silico algorithms, and/or has population frequency not consistent with disease.

Ambry Genetics
Classification: Uncertain significance for Hereditary cancer-predisposing syndrome. Last evaluated: 2015-05-13. Review status: criteria provided, single submitter. Criteria: Ambry Variant Classification Scheme 2023. Collection method: clinical testing. Allele origin: germline.
Comment: The c.2377-19T>G intronic alteration consists of a T to G substitution 19 nucleotides before coding exon 15 in the ATM gene. Based on insufficient or conflicting evidence, the clinical significance of this alteration remains unclear.